The following is an entry in ClinVar:

ClinVar aggregate classification (germline): Uncertain significance. Review status: criteria provided, multiple submitters, no conflicts (2 of 4 stars). 3 submissions from 3 submitters: Uncertain significance (3). Last evaluated 2025-06-29.

Conditions:
Hereditary cancer-predisposing syndrome. Also called: Hereditary Cancer Syndrome; Tumor predisposition; Neoplastic Syndromes, Hereditary; Hereditary neoplastic syndrome. Identifiers: Orphanet 140162, MedGen C0027672, MeSH D009386, MONDO:0015356.
Microcephaly, normal intelligence and immunodeficiency (NBS). Also called: BERLIN BREAKAGE SYNDROME; Nijmegen breakage syndrome; Microcephaly with normal intelligence immunodeficiency and lymphoreticular malignancies; Nonsyndromal microcephaly autosomal recessive with normal intelligence; Seemanova syndrome 2; SEEMANOVA SYNDROME II. Identifiers: Orphanet 647, MedGen C0398791, MONDO:0009623, OMIM 251260.

Submissions (3):

Labcorp Genetics (formerly Invitae), Labcorp
Classification: Uncertain significance for Microcephaly, normal intelligence and immunodeficiency. Last evaluated: 2025-06-29. Review status: criteria provided, single submitter. Criteria: Invitae Variant Classification Sherloc (09022015). Collection method: clinical testing. Allele origin: germline.
Comment: This sequence change replaces isoleucine, which is neutral and non-polar, with methionine, which is neutral and non-polar, at codon 315 of the NBN protein (p.Ile315Met). This variant is not present in population databases (gnomAD no frequency). This variant has not been reported in the literature in individuals affected with NBN-related conditions. ClinVar contains an entry for this variant (Variation ID: 3222439). An algorithm developed to predict the effect of missense changes on protein structure and function (PolyPhen-2) suggests that this variant is likely to be disruptive. In summary, the available evidence is currently insufficient to determine the role of this variant in disease. Therefore, it has been classified as a Variant of Uncertain Significance.

GeneDx
Classification: Uncertain significance. Last evaluated: 2024-08-23. Review status: criteria provided, single submitter. Criteria: GeneDx Variant Classification Process June 2021. Collection method: clinical testing. Allele origin: germline. Affected: yes.
Comment: Not observed at significant frequency in large population cohorts (gnomAD); In silico analysis indicates that this missense variant does not alter protein structure/function; Has not been previously published as pathogenic or benign to our knowledge; This variant is associated with the following publications: (PMID: 24894818)

Ambry Genetics
Classification: Uncertain significance for Hereditary cancer-predisposing syndrome. Last evaluated: 2024-02-25. Review status: criteria provided, single submitter. Criteria: Ambry Variant Classification Scheme 2023. Collection method: clinical testing. Allele origin: germline.
Comment: The p.I315M variant (also known as c.945T>G), located in coding exon 8 of the NBN gene, results from a T to G substitution at nucleotide position 945. The isoleucine at codon 315 is replaced by methionine, an amino acid with highly similar properties. This amino acid position is conserved. In addition, this alteration is predicted to be tolerated by in silico analysis. Based on the available evidence, the clinical significance of this alteration remains unclear.

NM_002485.5(NBN):c.945T>G (p.Ile315Met)

Gene: NBN (nibrin; minus strand). Cytogenetic location: 8q21.3.
Variant type: single nucleotide variant.
Coding change: c.945T>G on transcript NM_002485.5 (MANE Select); coding-DNA position 945, T replaced by G.
Protein change: p.Ile315Met; replaces isoleucine 315 with methionine.
Molecular consequence: missense variant.
Genome position (GRCh38, 1-based): chr8:89,964,459, A>C on the plus strand (T>G on the coding strand, the complement: NBN is on the minus strand). VCF-style: chr8-89964459-A-C. GRCh37 (hg19) VCF-style: chr8-90976687-A-C.
Other names: c.699T>G, p.Ile233Met (NM_001024688.3); short protein forms I233M, I315M.
Identifiers: ClinVar variation 3222439 (VCV003222439.3), dbSNP rs1811147771, ClinGen allele CA371656997.